The following is an entry in ClinVar:

NM_017909.4(RMND1):c.1313T>C (p.Ile438Thr)

Gene: RMND1 (required for meiotic nuclear division 1 homolog; minus strand). Cytogenetic location: 6q25.1.
Variant type: single nucleotide variant.
Coding change: c.1313T>C on transcript NM_017909.4 (MANE Select); coding-DNA position 1313, T replaced by C.
Protein change: p.Ile438Thr; replaces isoleucine 438 with threonine.
Molecular consequence: missense variant.
Genome position (GRCh38, 1-based): chr6:151,405,724, A>G on the plus strand (T>C on the coding strand, the complement: RMND1 is on the minus strand). VCF-style: chr6-151405724-A-G. GRCh37 (hg19) VCF-style: chr6-151726859-A-G.
Other names: c.803T>C, p.Ile268Thr (NM_001271937.2); short protein forms I268T, I438T.
Identifiers: ClinVar variation 3689864 (VCV003689864.2).

ClinVar aggregate classification (germline): Uncertain significance (1 of 4 stars; one submission).

gnomAD v4.1: 2 of 1,462,312 alleles (0.00014%); highest among the groups gnomAD compares: African/African-American, 0.0014%; no homozygotes.

Submission:

Labcorp Genetics (formerly Invitae), Labcorp
Classification: Uncertain significance. Last evaluated: 2024-04-02. Review status: criteria provided, single submitter. Criteria: Invitae Variant Classification Sherloc (09022015). Collection method: clinical testing. Allele origin: germline.
Comment: This sequence change replaces isoleucine, which is neutral and non-polar, with threonine, which is neutral and polar, at codon 438 of the RMND1 protein (p.Ile438Thr). This variant is not present in population databases (gnomAD no frequency). This variant has not been reported in the literature in individuals affected with RMND1-related conditions. Advanced modeling of protein sequence and biophysical properties (such as structural, functional, and spatial information, amino acid conservation, physicochemical variation, residue mobility, and thermodynamic stability) performed at Invitae indicates that this missense variant is expected to disrupt RMND1 protein function with a positive predictive value of 80%. In summary, the available evidence is currently insufficient to determine the role of this variant in disease. Therefore, it has been classified as a Variant of Uncertain Significance.